The following is an entry in ClinVar:

ClinVar aggregate classification (germline): Uncertain significance (1 of 4 stars; one submission).

Submission:

Labcorp Genetics (formerly Invitae), Labcorp
Classification: Uncertain significance. Last evaluated: 2023-10-13. Review status: criteria provided, single submitter. Criteria: Invitae Variant Classification Sherloc (09022015). Collection method: clinical testing. Allele origin: germline.
Comment: This sequence change replaces aspartic acid, which is acidic and polar, with tyrosine, which is neutral and polar, at codon 198 of the RNF43 protein (p.Asp198Tyr). This variant is not present in population databases (gnomAD no frequency). This variant has not been reported in the literature in individuals affected with RNF43-related conditions. ClinVar contains an entry for this variant (Variation ID: 1425244). An algorithm developed to predict the effect of missense changes on protein structure and function (PolyPhen-2) suggests that this variant is likely to be disruptive. In summary, the available evidence is currently insufficient to determine the role of this variant in disease. Therefore, it has been classified as a Variant of Uncertain Significance.

NM_017763.6(RNF43):c.592G>T (p.Asp198Tyr)

Gene: RNF43 (ring finger protein 43; minus strand). Cytogenetic location: 17q22.
Variant type: single nucleotide variant.
Coding change: c.592G>T on transcript NM_017763.6 (MANE Select); coding-DNA position 592, G replaced by T.
Protein change: p.Asp198Tyr; replaces aspartic acid 198 with tyrosine.
Molecular consequence: missense variant.
Genome position (GRCh38, 1-based): chr17:58,362,639, C>A on the plus strand (G>T on the coding strand, the complement: RNF43 is on the minus strand). VCF-style: chr17-58362639-C-A. GRCh37 (hg19) VCF-style: chr17-56440000-C-A.
Other names: c.592G>T, p.Asp198Tyr (NM_001305544.3); c.211G>T, p.Asp71Tyr (NM_001305545.2); short protein forms D198Y, D71Y.
Identifiers: ClinVar variation 1425244 (VCV001425244.8), dbSNP rs2143460689, ClinGen allele CA400337172.
Genomic context (GRCh38, chr17:58,362,639, plus strand): 5'-GCACCGAAGCCAGGATGATCACAAAGATGGTGCCCACCACTGTCATTAGGATCCACACAT[C>A]ATAATCTGGCTGGGGAGTGAGCAGAGAGGGAAAGGGTCATACTTCCGGGATGAGCTGGGT-3'
Protein context (NP_060233.3, residues 188-208): LKEPPAWPDY[Asp198Tyr]VWILMTVVGT